The following is an entry in ClinVar:

NM_005660.3(SLC35A2):c.72G>T (p.Glu24Asp)

Gene: SLC35A2 (solute carrier family 35 member A2; minus strand). Cytogenetic location: Xp11.23.
Variant type: single nucleotide variant.
Coding change: c.72G>T on transcript NM_005660.3 (MANE Select); coding-DNA position 72, G replaced by T.
Protein change: p.Glu24Asp; replaces glutamic acid 24 with aspartic acid.
Molecular consequence: missense variant. On other transcripts: intron variant (1).
Genome position (GRCh38, 1-based): chrX:48,911,565, C>A on the plus strand (G>T on the coding strand, the complement: SLC35A2 is on the minus strand). VCF-style: chrX-48911565-C-A. GRCh37 (hg19) VCF-style: chrX-48768842-C-A.
Other names: c.72G>T, p.Glu24Asp (NM_001032289.3, NM_001042498.3, NM_001282647.2 and 3 more transcripts); c.19+294G>T (NM_001282648.2); short protein forms E24D.
Identifiers: ClinVar variation 695628 (VCV000695628.15), dbSNP rs374961453, ClinGen allele CA10406214.

ClinVar aggregate classification (germline): Benign/Likely benign. Review status: criteria provided, multiple submitters, no conflicts (2 of 4 stars). 4 submissions from 4 submitters: Benign (1); Likely benign (2). 1 of the submissions does not count toward it. Last evaluated 2025-12-19.

Conditions:
SLC35A2-related disorder. Also called: SLC35A2-related condition.
SLC35A2-congenital disorder of glycosylation. Also called: EPILEPTIC ENCEPHALOPATHY, EARLY INFANTILE, 22; CONGENITAL DISORDER OF GLYCOSYLATION, TYPE IIm; CDG IIm; CONGENITAL DISORDER OF GLYCOSYLATION, TYPE IIm, SOMATIC MOSAIC; SLC35A2-CDG; DEVELOPMENTAL AND EPILEPTIC ENCEPHALOPATHY 22. Identifiers: Orphanet 356961, MedGen C3806688, MONDO:0010478, OMIM 300896.

Allele frequency attached by ClinVar (database versions not stated): gnomAD exomes 0.00005 and 0.00017; 1000 Genomes Project 0.00026; ExAC 0.00030; ESP Exome Variant Server 0.00031; 1000 Genomes Project 30x 0.00042; gnomAD 0.00054 and 0.00057; TOPMed 0.00062.
gnomAD v4.1: 115 of 1,162,978 alleles (0.0099%); highest among the groups gnomAD compares: African/African-American, 0.17%; no homozygotes.

Submissions (4):

Labcorp Genetics (formerly Invitae), Labcorp
Classification: Benign for SLC35A2-congenital disorder of glycosylation. Last evaluated: 2025-12-19. Review status: criteria provided, single submitter. Criteria: Invitae Variant Classification Sherloc (09022015). Collection method: clinical testing. Allele origin: germline.

Blueprint Genetics
Classification: Likely benign. Last evaluated: 2023-07-28. Review status: criteria provided, single submitter. Criteria: ACMG Guidelines, 2015. Collection method: clinical testing. Allele origin: germline.

GeneDx
Classification: Likely benign. Last evaluated: 2022-01-11. Review status: criteria provided, single submitter. Criteria: GeneDx Variant Classification Process June 2021. Collection method: clinical testing. Allele origin: germline. Affected: yes.
Comment: In silico analysis supports that this missense variant does not alter protein structure/function; Has not been previously published as pathogenic or benign to our knowledge

PreventionGenetics, part of Exact Sciences
Classification: Likely benign for SLC35A2-related condition. Last evaluated: 2019-12-03. Review status: no assertion criteria provided. Collection method: clinical testing. Allele origin: germline. Not counted in ClinVar's aggregate classification.
Comment: This variant is classified as likely benign based on ACMG/AMP sequence variant interpretation guidelines (Richards et al. 2015 PMID: 25741868, with internal and published modifications).